The following is an entry in ClinVar:

NM_001106.4(ACVR2B):c.1269G>A (p.Ser423=)

Gene: ACVR2B (activin A receptor type 2B; plus strand). Cytogenetic location: 3p22.2.
Variant type: single nucleotide variant.
Coding change: c.1269G>A on transcript NM_001106.4 (MANE Select); coding-DNA position 1269, G replaced by A.
Protein change: p.Ser423=; no amino-acid change (serine 423 retained).
Molecular consequence: synonymous variant.
Genome position (GRCh38, 1-based): chr3:38,482,485, G>A. VCF-style: chr3-38482485-G-A. GRCh37 (hg19) VCF-style: chr3-38523976-G-A.
Identifiers: ClinVar variation 414876 (VCV000414876.39), dbSNP rs146067304, ClinGen allele CA2319041.

ClinVar aggregate classification (germline): Conflicting classifications of pathogenicity. Review status: criteria provided, conflicting classifications (1 of 4 stars). 3 submissions from 3 submitters: Uncertain significance (1); Likely benign (2). Last evaluated 2025-01-23.

Conditions:
Heterotaxy, visceral, 4, autosomal (HTX4). Identifiers: Orphanet 450, MedGen C3151057, MONDO:0013403, OMIM 613751.

Allele frequency attached by ClinVar (database versions not stated): gnomAD exomes 0.00013; TOPMed 0.00014; ExAC 0.00015; gnomAD 0.00017; ESP Exome Variant Server 0.00031.
gnomAD v4.1: 299 of 1,612,800 alleles (0.019%); highest among the groups gnomAD compares: Non-Finnish European, 0.023%; no homozygotes.

Submissions (3):

Labcorp Genetics (formerly Invitae), Labcorp
Classification: Likely benign for Heterotaxy, visceral, 4, autosomal. Last evaluated: 2025-01-23. Review status: criteria provided, single submitter. Criteria: Invitae Variant Classification Sherloc (09022015). Collection method: clinical testing. Allele origin: germline.

CeGaT Center for Human Genetics Tuebingen
Classification: Likely benign. Last evaluated: 2022-06-01. Review status: criteria provided, single submitter. Criteria: CeGaT Center For Human Genetics Tuebingen Variant Classification Criteria Version 2. Collection method: clinical testing. Allele origin: germline. Affected: yes. Observed: 1 variant allele.
Comment: ACVR2B: BP4, BP7

Illumina Laboratory Services, Illumina
Classification: Uncertain significance for Heterotaxy, visceral, 4, autosomal. Last evaluated: 2018-01-15. Review status: criteria provided, single submitter. Criteria: ICSL Variant Classification Criteria 13 December 2019. Collection method: clinical testing. Allele origin: germline.